The following is an entry in ClinVar:

ClinVar aggregate classification (germline): Benign/Likely benign. Review status: criteria provided, multiple submitters, no conflicts (2 of 4 stars). 15 submissions from 14 submitters: Benign (9); Likely benign (3). 3 of the submissions do not count toward it. Last evaluated 2026-01-28.

Conditions:
WFS1-Related Spectrum Disorders.
Autosomal dominant nonsyndromic hearing loss 6 (LFSNHL). Also called: Autosomal dominant nonsyndromic deafness 6; DEAFNESS, AUTOSOMAL DOMINANT 14; DEAFNESS, AUTOSOMAL DOMINANT 38; DEAFNESS, AUTOSOMAL DOMINANT 6. Identifiers: Orphanet 90635, MedGen C1833021, MONDO:0010963, OMIM 600965.

Allele frequency attached by ClinVar (database versions not stated): gnomAD exomes 0.00045; ExAC 0.00115; TOPMed 0.00262; gnomAD 0.00274 and 0.00277; ESP Exome Variant Server 0.00316; 1000 Genomes Project 0.00439; 1000 Genomes Project 30x 0.00484.
gnomAD v4.1: 1,133 of 1,612,654 alleles (0.07%); highest among the groups gnomAD compares: African/African-American, 0.85%; 7 homozygotes.

Submissions (15):

Labcorp Genetics (formerly Invitae), Labcorp
Classification: Benign. Last evaluated: 2026-01-28. Review status: criteria provided, single submitter. Criteria: Invitae Variant Classification Sherloc (09022015). Collection method: clinical testing. Allele origin: germline.

ARUP Laboratories, Molecular Genetics and Genomics, ARUP Laboratories
Classification: Benign. Last evaluated: 2025-05-15. Review status: criteria provided, single submitter. Criteria: ARUP Molecular Germline Variant Investigation Process 2024. Collection method: clinical testing. Allele origin: germline.

Mayo Clinic Laboratories, Mayo Clinic
Classification: Benign. Last evaluated: 2025-05-07. Review status: criteria provided, single submitter. Criteria: ACMG Guidelines, 2015. Collection method: clinical testing. Allele origin: germline. Observed: 2 variant alleles.
Comment: BA1, BP4, BP7

Blueprint Genetics
Classification: Likely benign. Last evaluated: 2024-11-20. Review status: criteria provided, single submitter. Criteria: ACMG Guidelines, 2015. Collection method: clinical testing. Allele origin: germline.

Genetic Services Laboratory, University of Chicago
Classification: Benign. Last evaluated: 2021-04-13. Review status: criteria provided, single submitter. Criteria: ACMG Guidelines, 2015. Collection method: clinical testing. Allele origin: germline. Affected: no.

Illumina Laboratory Services, Illumina
Classification: Likely benign for WFS1-Related Spectrum Disorders. Last evaluated: 2018-01-13. Review status: criteria provided, single submitter. Criteria: ICSL Variant Classification Criteria 13 December 2019. Collection method: clinical testing. Allele origin: germline.
Comment: This variant was observed in the ICSL laboratory as part of a predisposition screen in an ostensibly healthy population. It had not been previously curated by ICSL or reported in the Human Gene Mutation Database (HGMD: prior to June 1st, 2018), and was therefore a candidate for classification through an automated scoring system. Utilizing variant allele frequency, disease prevalence and penetrance estimates, and inheritance mode, an automated score was calculated to assess if this variant is too frequent to cause the disease. Based on the score and internal cut-off values, a variant classified as likely benign is not then subjected to further curation. The score for this variant resulted in a classification of likely benign for this disease.

Illumina Laboratory Services, Illumina
Classification: Benign for Autosomal dominant nonsyndromic hearing loss 6. Last evaluated: 2018-01-13. Review status: criteria provided, single submitter. Criteria: ICSL Variant Classification Criteria 13 December 2019. Collection method: clinical testing. Allele origin: germline.
Comment: This variant was observed in the ICSL laboratory as part of a predisposition screen in an ostensibly healthy population. It had not been previously curated by ICSL or reported in the Human Gene Mutation Database (HGMD: prior to June 1st, 2018), and was therefore a candidate for classification through an automated scoring system. Utilizing variant allele frequency, disease prevalence and penetrance estimates, and inheritance mode, an automated score was calculated to assess if this variant is too frequent to cause the disease. Based on the score and internal cut-off values, a variant classified as benign is not then subjected to further curation. The score for this variant resulted in a classification of benign for this disease.

Eurofins Ntd Llc (ga)
Classification: Benign. Last evaluated: 2015-02-09. Review status: criteria provided, single submitter. Criteria: EGL Classification Definitions 2015. Collection method: clinical testing. Allele origin: germline. Observed: 1 variant allele, 1 heterozygote.

GeneDx
Classification: Benign. Last evaluated: 2013-10-28. Review status: criteria provided, single submitter. Criteria: GeneDx Variant Classification (06012015). Collection method: clinical testing. Allele origin: germline. Affected: yes.
Comment: This variant is considered likely benign or benign based on one or more of the following criteria: it is a conservative change, it occurs at a poorly conserved position in the protein, it is predicted to be benign by multiple in silico algorithms, and/or has population frequency not consistent with disease.

Laboratory for Molecular Medicine, Mass General Brigham Personalized Medicine
Classification: Benign. Last evaluated: 2012-04-30. Review status: criteria provided, single submitter. Criteria: LMM Criteria. Collection method: clinical testing. Allele origin: germline. Observed: 2 variant alleles.
Comment: Tyr735Tyr in Exon 08 of WFS1: This variant is not expected to have clinical sign ificance because it does not alter an amino acid residue, is not located within the splice consensus sequence, and has been identified in 0.8% (31/3716) of Afri can American chromosomes from a broad population by the NHLBI Exome Sequencing P roject (dbSNP rs71530911).

Breakthrough Genomics
Classification: Likely benign. Review status: criteria provided, single submitter. Criteria: ACMG Guidelines, 2015. Collection method: not provided. Allele origin: germline. Inheritance: Autosomal recessive inheritance. Affected: yes.

PreventionGenetics, part of Exact Sciences
Classification: Benign. Review status: criteria provided, single submitter. Criteria: ACMG Guidelines, 2015. Collection method: clinical testing. Allele origin: germline.

Clinical Genetics DNA and cytogenetics Diagnostics Lab, Erasmus MC, Erasmus Medical Center
Classification: Likely benign. Review status: no assertion criteria provided. Collection method: clinical testing. Allele origin: germline. Affected: yes. Study: VKGL Data-share Consensus. Not counted in ClinVar's aggregate classification.

Clinical Genetics, Academic Medical Center
Classification: Likely benign. Review status: no assertion criteria provided. Collection method: clinical testing. Allele origin: germline. Affected: yes. Study: VKGL Data-share Consensus. Not counted in ClinVar's aggregate classification.

Laboratory of Diagnostic Genome Analysis, Leiden University Medical Center (LUMC)
Classification: Benign. Review status: no assertion criteria provided. Collection method: clinical testing. Allele origin: germline. Affected: yes. Study: VKGL Data-share Consensus. Not counted in ClinVar's aggregate classification.

NM_006005.3(WFS1):c.2205C>T (p.Tyr735=)

Gene: WFS1 (wolframin ER transmembrane glycoprotein; plus strand). Cytogenetic location: 4p16.1.
Variant type: single nucleotide variant.
Coding change: c.2205C>T on transcript NM_006005.3 (MANE Select); coding-DNA position 2205, C replaced by T.
Protein change: p.Tyr735=; no amino-acid change (tyrosine 735 retained).
Molecular consequence: synonymous variant.
Genome position (GRCh38, 1-based): chr4:6,302,000, C>T. VCF-style: chr4-6302000-C-T. GRCh37 (hg19) VCF-style: chr4-6303727-C-T.
Other names: p.Y735Y:TAC>TAT; p.Tyr735=; c.2205C>T, p.Tyr735= (NM_001145853.1).
Identifiers: ClinVar variation 137920 (VCV000137920.39), dbSNP rs71530911, ClinGen allele CA295795.